The following is an entry in ClinVar:

ClinVar aggregate classification (germline): Uncertain significance (1 of 4 stars; one submission).

Submission:

Labcorp Genetics (formerly Invitae), Labcorp
Classification: Uncertain significance. Last evaluated: 2025-11-18. Review status: criteria provided, single submitter. Criteria: Invitae Variant Classification Sherloc (09022015). Collection method: clinical testing. Allele origin: germline.
Comment: This sequence change affects codon 374 of the POLD2 mRNA. It is a 'silent' change, meaning that it does not change the encoded amino acid sequence of the POLD2 protein. This variant is not present in population databases (gnomAD no frequency). This variant has not been reported in the literature in individuals affected with POLD2-related conditions. Algorithms developed to predict the effect of sequence changes on RNA splicing suggest that this variant may create or strengthen a splice site. In summary, the available evidence is currently insufficient to determine the role of this variant in disease. Therefore, it has been classified as a Variant of Uncertain Significance.

NM_006230.4(POLD2):c.1017C>A (p.Val339=)

Gene: POLD2 (DNA polymerase delta 2, accessory subunit; minus strand). Cytogenetic location: 7p13.
Variant type: single nucleotide variant.
Coding change: c.1017C>A on transcript NM_006230.4 (MANE Select); coding-DNA position 1017, C replaced by A.
Protein change: p.Val339=; no amino-acid change (valine 339 retained).
Molecular consequence: synonymous variant.
Genome position (GRCh38, 1-based): chr7:44,116,117, G>T on the plus strand (C>A on the coding strand, the complement: POLD2 is on the minus strand). VCF-style: chr7-44116117-G-T. GRCh37 (hg19) VCF-style: chr7-44155716-G-T.
Other names: c.1017C>A, p.Val339= (NM_001127218.3, NM_001256879.2).
Identifiers: ClinVar variation 4730931 (VCV004730931.1).
Genomic context (GRCh38, chr7:44,116,117, plus strand): 5'-CTTTGTGCCTCCTGAGGCAAAAGGCTGGGTCAGACTGAAGTGTGGCTGTGCCAGCTACCT[G>T]ACTCCATCAATGGTGGCCTGGTAGGGGTTGGTGACCAGCTGGAGCGTGGAGTAGGCAGTG-3'
Protein context (NP_006221.3, residues 329-349): TNPYQATIDG[Val339=]RFLGTSGQNV